The following is an entry in ClinVar:

NM_001042492.3(NF1):c.37G>T (p.Val13Leu)

Genes: MIR4733HG (MIR4733 host gene; minus strand), NF1 (neurofibromin 1; plus strand), LOC111811965 (NF1 (neurofibromin 1) promoter region; plus strand). Cytogenetic location: 17q11.2.
Variant type: single nucleotide variant.
Coding change: c.37G>T on transcript NM_001042492.3 (MANE Select); coding-DNA position 37, G replaced by T.
Protein change: p.Val13Leu; replaces valine 13 with leucine.
Molecular consequence: missense variant. On other transcripts: non-coding transcript variant (1).
Genome position (GRCh38, 1-based): chr17:31,095,346, G>T. VCF-style: chr17-31095346-G-T. GRCh37 (hg19) VCF-style: chr17-29422364-G-T.
Other names: c.37G>T, p.Val13Leu (NM_000267.4, NM_001128147.3); short protein forms V13L.
Identifiers: ClinVar variation 824236 (VCV000824236.4), dbSNP rs1060500261, ClinGen allele CA398979315.

ClinVar aggregate classification (germline): Uncertain significance (1 of 4 stars; one submission).

Conditions:
Hereditary cancer-predisposing syndrome. Also called: Neoplastic Syndromes, Hereditary; Tumor predisposition; Hereditary neoplastic syndrome; Hereditary Cancer Syndrome. Identifiers: Orphanet 140162, MedGen C0027672, MeSH D009386, MONDO:0015356.
Cardiovascular phenotype. Identifiers: MedGen CN230736.

Submission:

Ambry Genetics
Classification: Uncertain significance for Cardiovascular phenotype; Hereditary cancer-predisposing syndrome. Last evaluated: 2019-02-22. Review status: criteria provided, single submitter. Criteria: Ambry Variant Classification Scheme 2023. Collection method: clinical testing. Allele origin: germline.
Comment: The p.V13L variant (also known as c.37G>T), located in coding exon 1 of the NF1 gene, results from a G to T substitution at nucleotide position 37. The valine at codon 13 is replaced by leucine, an amino acid with highly similar properties. This nucleotide position is highly conserved in available vertebrate species. This amino acid position is highly conserved in available vertebrate species. In addition, this alteration is predicted to be tolerated by in silico analysis. Since supporting evidence is limited at this time, the clinical significance of this alteration remains unclear.